The following is an entry in ClinVar:

NC_000005.9:g.(?_131923234)_(131925549_?)del

Gene: RAD50 (RAD50 double strand break repair protein; plus strand). Cytogenetic location: 5q31.1.
Variant type: Deletion.
Identifiers: ClinVar variation 3246284 (VCV003246284.1).

ClinVar aggregate classification (germline): Uncertain significance (1 of 4 stars; one submission).

Conditions:
Hereditary cancer-predisposing syndrome. Also called: Hereditary neoplastic syndrome; Neoplastic Syndromes, Hereditary; Tumor predisposition; Hereditary Cancer Syndrome. Identifiers: Orphanet 140162, MedGen C0027672, MeSH D009386, MONDO:0015356.

Submission:

Labcorp Genetics (formerly Invitae), Labcorp
Classification: Uncertain significance for Hereditary cancer-predisposing syndrome. Last evaluated: 2023-02-16. Review status: criteria provided, single submitter. Criteria: Invitae Variant Classification Sherloc (09022015). Collection method: clinical testing. Allele origin: unknown.
Comment: This variant is a gross deletion of the genomic region encompassing exon(s) 6-9 of the RAD50 gene. This variant would be expected to be in-frame, preserving the integrity of the reading frame. This variant has not been reported in the literature in individuals affected with RAD50-related conditions. Experimental studies and prediction algorithms are not available or were not evaluated, and the functional significance of this variant is currently unknown. In summary, the available evidence is currently insufficient to determine the role of this variant in disease. Therefore, it has been classified as a Variant of Uncertain Significance.